The following is an entry in ClinVar:

NM_000089.4(COL1A2):c.719T>C (p.Val240Ala)

Gene: COL1A2 (collagen type I alpha 2 chain; plus strand). Cytogenetic location: 7q21.3.
Variant type: single nucleotide variant.
Coding change: c.719T>C on transcript NM_000089.4 (MANE Select); coding-DNA position 719, T replaced by C.
Protein change: p.Val240Ala; replaces valine 240 with alanine.
Molecular consequence: missense variant.
Genome position (GRCh38, 1-based): chr7:94,408,361, T>C. VCF-style: chr7-94408361-T-C. GRCh37 (hg19) VCF-style: chr7-94037673-T-C.
Other names: short protein forms V240A.
Identifiers: ClinVar variation 2943694 (VCV002943694.3), dbSNP rs2484705967, ClinGen allele CA368220383.

ClinVar aggregate classification (germline): Uncertain significance (1 of 4 stars; one submission).

Conditions:
Osteogenesis imperfecta type I (OI1). Also called: Lobstein disease; OI, TYPE I; OSTEOGENESIS IMPERFECTA TARDA; OSTEOGENESIS IMPERFECTA WITH BLUE SCLERAE; Osteogenesis imperfecta type 1; Lobstein's Disease. Identifiers: Orphanet 216796, Orphanet 666, MedGen C0023931, MONDO:0008146, OMIM 166200. Disease mechanism: loss of function.
Ehlers-Danlos syndrome, classic type, 1 (EDSCL1). Also called: EDS I; EHLERS-DANLOS SYNDROME, GRAVIS TYPE; EHLERS-DANLOS SYNDROME, SEVERE CLASSIC TYPE; Ehlers-Danlos syndrome, type 1; Ehlers-Danlos Syndrome, Classic Type, COL5A1-Related. Identifiers: MedGen C0268335, MONDO:0019567, OMIM 130000.

Submission:

Labcorp Genetics (formerly Invitae), Labcorp
Classification: Uncertain significance for Osteogenesis imperfecta type I; Ehlers-Danlos syndrome, classic type, 1. Last evaluated: 2023-01-28. Review status: criteria provided, single submitter. Criteria: Invitae Variant Classification Sherloc (09022015). Collection method: clinical testing. Allele origin: germline.
Comment: In summary, the available evidence is currently insufficient to determine the role of this variant in disease. Therefore, it has been classified as a Variant of Uncertain Significance. Advanced modeling of protein sequence and biophysical properties (such as structural, functional, and spatial information, amino acid conservation, physicochemical variation, residue mobility, and thermodynamic stability) performed at Invitae indicates that this missense variant is not expected to disrupt COL1A2 protein function. This variant has not been reported in the literature in individuals affected with COL1A2-related conditions. This variant is not present in population databases (gnomAD no frequency). This sequence change replaces valine, which is neutral and non-polar, with alanine, which is neutral and non-polar, at codon 240 of the COL1A2 protein (p.Val240Ala).